The following is an entry in ClinVar:

NM_000834.5(GRIN2B):c.15G>A (p.Ala5=)

Gene: GRIN2B (glutamate ionotropic receptor NMDA type subunit 2B; minus strand). Cytogenetic location: 12p13.1.
Variant type: single nucleotide variant.
Coding change: c.15G>A on transcript NM_000834.5 (MANE Select); coding-DNA position 15, G replaced by A.
Protein change: p.Ala5=; no amino-acid change (alanine 5 retained).
Molecular consequence: synonymous variant.
Genome position (GRCh38, 1-based): chr12:13,866,194, C>T on the plus strand (G>A on the coding strand, the complement: GRIN2B is on the minus strand). VCF-style: chr12-13866194-C-T. GRCh37 (hg19) VCF-style: chr12-14019128-C-T.
Other names: p.A5A:GCG>GCA; p.Ala5=; c.15G>A (NM_000834.4).
Identifiers: ClinVar variation 98442 (VCV000098442.22), dbSNP rs34315573, ClinGen allele CA225835.

ClinVar aggregate classification (germline): Benign. Review status: criteria provided, multiple submitters, no conflicts (2 of 4 stars). 8 submissions from 8 submitters: Benign (6). 2 of the submissions do not count toward it. Last evaluated 2026-02-04.

Conditions:
Inborn genetic diseases. Identifiers: MedGen C0950123, MeSH D030342.
Intellectual developmental disorder, autosomal dominant 6, with or without seizures. Also called: Intellectual disability, autosomal dominant 6; GRIN2B-related developmental delay, intellectual disability and autism spectrum disorder. Identifiers: Orphanet 589547, MedGen C3151411, MONDO:0013509, OMIM 613970.
Developmental and epileptic encephalopathy, 27 (DEE27). Also called: Epileptic encephalopathy, early infantile, 27; GRIN2B-Related Neurodevelopmental Disorder. Identifiers: Orphanet 3451, MedGen C4015316, MONDO:0014505, OMIM 616139.

Allele frequency attached by ClinVar (database versions not stated): ExAC 0.05079; 1000 Genomes Project 30x 0.05294; ESP Exome Variant Server 0.02445; TOPMed 0.02571; gnomAD 0.03193 and 0.03535; gnomAD exomes 0.04892; 1000 Genomes Project 0.05831.
gnomAD v4.1: 65,239 of 1,609,162 alleles (4.1%); highest among the groups gnomAD compares: South Asian, 9.8%; 1,934 homozygotes.

Submissions (8):

Labcorp Genetics (formerly Invitae), Labcorp
Classification: Benign for Developmental and epileptic encephalopathy, 27; Intellectual developmental disorder, autosomal dominant 6, with or without seizures. Last evaluated: 2026-02-04. Review status: criteria provided, single submitter. Criteria: Invitae Variant Classification Sherloc (09022015). Collection method: clinical testing. Allele origin: germline.

Mayo Clinic Laboratories, Mayo Clinic
Classification: Benign. Last evaluated: 2018-04-10. Review status: criteria provided, single submitter. Criteria: ACMG Guidelines, 2015. Collection method: clinical testing. Allele origin: germline. Observed: 25 variant alleles.

Athena Diagnostics
Classification: Benign. Last evaluated: 2017-09-14. Review status: criteria provided, single submitter. Criteria: Athena Diagnostics Criteria. Collection method: clinical testing. Allele origin: germline.

Ambry Genetics
Classification: Benign for Inborn genetic diseases. Last evaluated: 2016-03-24. Review status: criteria provided, single submitter. Criteria: Ambry Variant Classification Scheme 2023. Collection method: clinical testing. Allele origin: germline.

GeneDx
Classification: Benign. Last evaluated: 2013-10-25. Review status: criteria provided, single submitter. Criteria: GeneDx Variant Classification (06012015). Collection method: clinical testing. Allele origin: germline. Affected: yes.
Comment: This variant is considered likely benign or benign based on one or more of the following criteria: it is a conservative change, it occurs at a poorly conserved position in the protein, it is predicted to be benign by multiple in silico algorithms, and/or has population frequency not consistent with disease.

Breakthrough Genomics
Classification: Benign. Review status: criteria provided, single submitter. Criteria: ACMG Guidelines, 2015. Collection method: not provided. Allele origin: germline. Inheritance: Autosomal dominant inheritance. Affected: yes.

Genetic Services Laboratory, University of Chicago
Classification: Likely benign for AllHighlyPenetrant. Review status: no assertion criteria provided. Collection method: clinical testing. Allele origin: germline. Inheritance: Autosomal dominant inheritance. Not counted in ClinVar's aggregate classification.
Comment: Likely benign based on allele frequency in 1000 Genomes Project or ESP global frequency and its presence in a patient with a rare or unrelated disease phenotype. NOT Sanger confirmed.

Psychiatry Genetics Yale University
No classification provided. Review status: no classification provided. Collection method: not provided. Allele origin: not provided. Not counted in ClinVar's aggregate classification.